The following is an entry in ClinVar:

NM_017739.4(POMGNT1):c.1844T>G (p.Phe615Cys)

Genes: TSPAN1 (tetraspanin 1; plus strand), POMGNT1 (protein O-linked mannose N-acetylglucosaminyltransferase 1 (beta 1,2-); minus strand). Cytogenetic location: 1p34.1.
Variant type: single nucleotide variant.
Coding change: c.1844T>G on transcript NM_017739.4 (MANE Select); coding-DNA position 1844, T replaced by G.
Protein change: p.Phe615Cys; replaces phenylalanine 615 with cysteine.
Molecular consequence: missense variant.
Genome position (GRCh38, 1-based): chr1:46,189,509, A>C on the plus strand (T>G on the coding strand, the complement: POMGNT1 is on the minus strand). VCF-style: chr1-46189509-A-C. GRCh37 (hg19) VCF-style: chr1-46655181-A-C.
Other names: c.1844T>G, p.Phe615Cys (NM_001243766.2, NM_001410783.1); c.1778T>G, p.Phe593Cys (NM_001290129.3); c.1415T>G, p.Phe472Cys (NM_001290130.2); short protein forms F472C, F593C, F615C.
Identifiers: ClinVar variation 1375393 (VCV001375393.3), dbSNP rs2148163569, ClinGen allele CA340170897.

ClinVar aggregate classification (germline): Uncertain significance (1 of 4 stars; one submission).

Conditions:
Autosomal recessive limb-girdle muscular dystrophy type 2O. Also called: Limb-Girdle Muscular Dystrophy Type 3C; MUSCULAR DYSTROPHY-DYSTROGLYCANOPATHY (LIMB-GIRDLE), TYPE C, 3; MUSCULAR DYSTROPHY-DYSTROGLYCANOPATHY, LIMB-GIRDLE, POMGNT1-RELATED. Identifiers: Orphanet 206564, MedGen C3150417, MONDO:0013161, OMIM 613157.
Muscular dystrophy-dystroglycanopathy (congenital with impaired intellectual development), type B, 3. Also called: MUSCULAR DYSTROPHY, CONGENITAL, POMGNT1-RELATED; Muscular dystrophy-dystroglycanopathy (congenital with intellectual disability), type B3. Identifiers: MedGen C3150412, MONDO:0013155, OMIM 613151.

Submission:

Labcorp Genetics (formerly Invitae), Labcorp
Classification: Uncertain significance for Autosomal recessive limb-girdle muscular dystrophy type 2O; Muscular dystrophy-dystroglycanopathy (congenital with impaired intellectual development), type B, 3. Last evaluated: 2021-12-02. Review status: criteria provided, single submitter. Criteria: Invitae Variant Classification Sherloc (09022015). Collection method: clinical testing. Allele origin: germline.
Comment: This sequence change replaces phenylalanine, which is neutral and non-polar, with cysteine, which is neutral and slightly polar, at codon 615 of the POMGNT1 protein (p.Phe615Cys). This variant is not present in population databases (gnomAD no frequency). This variant has not been reported in the literature in individuals affected with POMGNT1-related conditions. Algorithms developed to predict the effect of missense changes on protein structure and function are either unavailable or do not agree on the potential impact of this missense change (SIFT: "Deleterious"; PolyPhen-2: "Probably Damaging"; Align-GVGD: "Class C0"). In summary, the available evidence is currently insufficient to determine the role of this variant in disease. Therefore, it has been classified as a Variant of Uncertain Significance.